The following is an entry in ClinVar:

ClinVar aggregate classification (germline): Uncertain significance (1 of 4 stars; one submission).

Submission:

Ambry Genetics
Classification: Uncertain significance. Last evaluated: 2026-03-01. Review status: criteria provided, single submitter. Criteria: Ambry Variant Classification Scheme 2023. Collection method: clinical testing. Allele origin: germline.
Comment: The p.Q644R variant (also known as c.1931A>G), located in coding exon 1 of the TET2 gene, results from an A to G substitution at nucleotide position 1931. The glutamine at codon 644 is replaced by arginine, an amino acid with highly similar properties. This amino acid position is conserved. In addition, this alteration is predicted to be tolerated by in silico analysis. Based on the available evidence, the clinical significance of this variant remains unclear.

NM_001127208.3(TET2):c.1931A>G (p.Gln644Arg)

Genes: TET2 (tet methylcytosine dioxygenase 2; plus strand), TET2-AS1 (TET2 antisense RNA 1; minus strand). Cytogenetic location: 4q24.
Variant type: single nucleotide variant.
Coding change: c.1931A>G on transcript NM_001127208.3 (MANE Select); coding-DNA position 1931, A replaced by G.
Protein change: p.Gln644Arg; replaces glutamine 644 with arginine.
Molecular consequence: missense variant.
Genome position (GRCh38, 1-based): chr4:105,235,873, A>G. VCF-style: chr4-105235873-A-G. GRCh37 (hg19) VCF-style: chr4-106157030-A-G.
Other names: c.1931A>G, p.Gln644Arg (NM_017628.4); short protein forms Q644R.
Identifiers: ClinVar variation 4827250 (VCV004827250.1).